The following is an entry in ClinVar:

NM_006295.3(VARS1):c.1014G>T (p.Met338Ile)

Gene: VARS1 (valyl-tRNA synthetase 1; minus strand). Cytogenetic location: 6p21.33.
Variant type: single nucleotide variant.
Coding change: c.1014G>T on transcript NM_006295.3 (MANE Select); coding-DNA position 1014, G replaced by T.
Protein change: p.Met338Ile; replaces methionine 338 with isoleucine.
Molecular consequence: missense variant.
Genome position (GRCh38, 1-based): chr6:31,791,696, C>A on the plus strand (G>T on the coding strand, the complement: VARS1 is on the minus strand). VCF-style: chr6-31791696-C-A. GRCh37 (hg19) VCF-style: chr6-31759473-C-A.
Other names: short protein forms M338I.
Identifiers: ClinVar variation 873442 (VCV000873442.1), dbSNP rs1813879239, ClinGen allele CA363474839.

ClinVar aggregate classification (germline): Uncertain significance (1 of 4 stars; one submission).

Conditions:
Neurodevelopmental disorder with microcephaly, seizures, and cortical atrophy. Identifiers: MedGen C4540493, MONDO:0060621, OMIM 617802.

Submission:

Institute of Human Genetics, University of Leipzig Medical Center
Classification: Uncertain significance for Neurodevelopmental disorder with microcephaly, seizures, and cortical atrophy. Last evaluated: 2019-10-01. Review status: criteria provided, single submitter. Criteria: ACMG Guidelines, 2015. Collection method: clinical testing. Allele origin: germline. Affected: yes.
Comment: The variant was confirmed as compound heterozygous with a likely pathogenic variant (NM_006295.2: c.3622C>T).